The following is an entry in ClinVar:

ClinVar aggregate classification (germline): Benign/Likely benign. Review status: criteria provided, multiple submitters, no conflicts (2 of 4 stars). 3 submissions from 3 submitters: Benign (1); Likely benign (2). Last evaluated 2026-08-10.

Conditions:
ZNF407-related disorder. Also called: ZNF407-related condition.

Allele frequency attached by ClinVar (database versions not stated): gnomAD 0.00027 and 0.00031; gnomAD exomes 0.00030 and 0.00062; ExAC 0.00061; TOPMed 0.00068.
gnomAD v4.1: 233 of 1,611,466 alleles (0.014%); highest among the groups gnomAD compares: Admixed American, 0.36%; 1 homozygote.

Submissions (3):

PreventionGenetics, part of Exact Sciences
Classification: Likely benign for ZNF407-related condition. Last evaluated: 2026-08-10. Review status: criteria provided, single submitter. Criteria: ACMG Guidelines, 2015. Collection method: clinical testing. Allele origin: germline.
Comment: This variant is classified as likely benign based on ACMG/AMP sequence variant interpretation guidelines (Richards et al. 2015 PMID: 25741868, with internal and published modifications).

CeGaT Center for Human Genetics Tuebingen
Classification: Likely benign. Last evaluated: 2026-04-01. Review status: criteria provided, single submitter. Criteria: CeGaT Center For Human Genetics Tuebingen Variant Classification Criteria Version 2. Collection method: clinical testing. Allele origin: germline. Affected: yes. Observed: 2 variant alleles.
Comment: ZNF407: BP4, BP7

Labcorp Genetics (formerly Invitae), Labcorp
Classification: Benign. Last evaluated: 2018-03-29. Review status: criteria provided, single submitter. Criteria: Invitae Variant Classification Sherloc (09022015). Collection method: clinical testing. Allele origin: germline.

NM_017757.3(ZNF407):c.5965C>T (p.Leu1989=)

Gene: ZNF407 (zinc finger protein 407; plus strand). Cytogenetic location: 18q22.3.
Variant type: single nucleotide variant.
Coding change: c.5965C>T on transcript NM_017757.3 (MANE Select); coding-DNA position 5965, C replaced by T.
Protein change: p.Leu1989=; no amino-acid change (leucine 1989 retained).
Molecular consequence: synonymous variant.
Genome position (GRCh38, 1-based): chr18:75,063,686, C>T. VCF-style: chr18-75063686-C-T. GRCh37 (hg19) VCF-style: chr18-72775642-C-T.
Other names: c.5965C>T, p.Leu1989= (NM_001384475.1).
Identifiers: ClinVar variation 785910 (VCV000785910.8), dbSNP rs774462367, ClinGen allele CA9001259.
Genomic context (GRCh38, chr18:75,063,686, plus strand): 5'-AAGCAGGAGATTTTAAACCTCTCGGAGGCTGGAGTCGCTCCCCCCGAGGCATCCTCAGCC[C>T]TGGATGCATTGCTCTGTGCGGTCACTGAATTAGGGGAGGTGGAGGGCAGGGCTGGGCTCG-3'
Protein context (NP_060227.2, residues 1979-1999): GVAPPEASSA[Leu1989=]DALLCAVTEL